The following is an entry in ClinVar:

NM_003870.4(IQGAP1):c.2264G>A (p.Arg755His)

Gene: IQGAP1 (IQ motif containing GTPase activating protein 1; plus strand). Cytogenetic location: 15q26.1.
Variant type: single nucleotide variant.
Coding change: c.2264G>A on transcript NM_003870.4 (MANE Select); coding-DNA position 2264, G replaced by A.
Protein change: p.Arg755His; replaces arginine 755 with histidine.
Molecular consequence: missense variant.
Genome position (GRCh38, 1-based): chr15:90,472,925, G>A. VCF-style: chr15-90472925-G-A. GRCh37 (hg19) VCF-style: chr15-91016157-G-A.
Other names: short protein forms R755H.
Identifiers: ClinVar variation 5038737 (VCV005038737.1).

ClinVar aggregate classification (germline): Likely benign (1 of 4 stars; one submission).

gnomAD v4.1: 189 of 1,613,788 alleles (0.012%); highest among the groups gnomAD compares: Non-Finnish European, 0.014%; no homozygotes.

Submission:

CeGaT Center for Human Genetics Tuebingen
Classification: Likely benign. Last evaluated: 2026-07-01. Review status: criteria provided, single submitter. Criteria: CeGaT Center For Human Genetics Tuebingen Variant Classification Criteria Version 2. Collection method: clinical testing. Allele origin: germline. Affected: yes. Observed: 1 variant allele.
Comment: IQGAP1: BP4